The following is an entry in ClinVar:

NM_001012339.3(DNAJC21):c.1393A>G (p.Met465Val)

Gene: DNAJC21 (DnaJ heat shock protein family (Hsp40) member C21; plus strand). Cytogenetic location: 5p13.2.
Variant type: single nucleotide variant.
Coding change: c.1393A>G on transcript NM_001012339.3 (MANE Select); coding-DNA position 1393, A replaced by G.
Protein change: p.Met465Val; replaces methionine 465 with valine.
Molecular consequence: missense variant.
Genome position (GRCh38, 1-based): chr5:34,953,960, A>G. VCF-style: chr5-34953960-A-G. GRCh37 (hg19) VCF-style: chr5-34954065-A-G.
Other names: c.1432A>G, p.Met478Val (NM_001348420.2); c.1528A>G, p.Met510Val (NM_194283.4); short protein forms M478V, M510V, M465V.
Identifiers: ClinVar variation 2001278 (VCV002001278.1), dbSNP rs1207747793, ClinGen allele CA359424056.

ClinVar aggregate classification (germline): Uncertain significance (1 of 4 stars; one submission).

Allele frequency attached by ClinVar (database versions not stated): gnomAD exomes below 0.00001; gnomAD 0.00001; TOPMed 0.00002.
gnomAD v4.1: 6 of 1,612,250 alleles (0.00037%); highest among the groups gnomAD compares: African/African-American, 0.008%; no homozygotes.

Submission:

Labcorp Genetics (formerly Invitae), Labcorp
Classification: Uncertain significance. Last evaluated: 2022-08-08. Review status: criteria provided, single submitter. Criteria: Invitae Variant Classification Sherloc (09022015). Collection method: clinical testing. Allele origin: germline.
Comment: This sequence change replaces methionine, which is neutral and non-polar, with valine, which is neutral and non-polar, at codon 465 of the DNAJC21 protein (p.Met465Val). The frequency data for this variant in the population databases is considered unreliable, as metrics indicate poor data quality at this position in the gnomAD database. This variant has not been reported in the literature in individuals affected with DNAJC21-related conditions. Algorithms developed to predict the effect of missense changes on protein structure and function output the following: SIFT: "Tolerated"; PolyPhen-2: "Benign"; Align-GVGD: "Class C0". The valine amino acid residue is found in multiple mammalian species, which suggests that this missense change does not adversely affect protein function. In summary, the available evidence is currently insufficient to determine the role of this variant in disease. Therefore, it has been classified as a Variant of Uncertain Significance.